The following is an entry in ClinVar:

NM_000429.3(MAT1A):c.163G>A (p.Ala55Thr)

Gene: MAT1A (methionine adenosyltransferase 1A; minus strand). Cytogenetic location: 10q22.3.
Variant type: single nucleotide variant.
Coding change: c.163G>A on transcript NM_000429.3 (MANE Select); coding-DNA position 163, G replaced by A.
Protein change: p.Ala55Thr; replaces alanine 55 with threonine.
Molecular consequence: missense variant.
Genome position (GRCh38, 1-based): chr10:80,285,518, C>T on the plus strand (G>A on the coding strand, the complement: MAT1A is on the minus strand). VCF-style: chr10-80285518-C-T. GRCh37 (hg19) VCF-style: chr10-82045274-C-T.
Other names: c.163G>A (NM_000429.2); short protein forms A55T.
Identifiers: ClinVar variation 1708332 (VCV001708332.4), dbSNP rs2492507135, ClinGen allele CA377363690.

ClinVar aggregate classification (germline): Uncertain significance. Review status: criteria provided, multiple submitters, no conflicts (2 of 4 stars). 2 submissions from 2 submitters: Uncertain significance (2). Last evaluated 2022-08-07.

Conditions:
Hepatic methionine adenosyltransferase deficiency. Also called: Deficiency of methionine adenosyltransferase; Isolated Persistent Hypermethioninemia; Methionine adenosyltransferase deficiency; MAT I/III DEFICIENCY. Identifiers: Orphanet 168598, MedGen C0268621, MeSH C564683, MONDO:0009607, OMIM 250850.

Submissions (2):

Laboratory of Metabolic Disorders, Peking University First Hospital
Classification: Uncertain significance for Hepatic methionine adenosyltransferase deficiency. Last evaluated: 2022-08-07. Review status: criteria provided, single submitter. Criteria: ACMG Guidelines, 2015. Collection method: clinical testing. Allele origin: inherited. Affected: yes.

Centre of Medical Genetics, University Hospital Muenster
Classification: Uncertain significance. Last evaluated: 2021-12-17. Review status: criteria provided, single submitter. Criteria: ACMG Guidelines, 2015. Collection method: clinical testing. Allele origin: unknown. Affected: yes. Observed: 1 variant allele, 1 heterozygote.
Comment: ACMG categories: PM2,PP3,BP1